The following is an entry in ClinVar:

ClinVar aggregate classification (germline): Conflicting classifications of pathogenicity. Review status: criteria provided, conflicting classifications (1 of 4 stars). 5 submissions from 5 submitters: Uncertain significance (1); Likely benign (3). 1 of the submissions does not count toward it. Last evaluated 2026-01-24.

Conditions:
MHC class II deficiency. Also called: Bare lymphocyte syndrome 2; BLS, TYPE II. Identifiers: Orphanet 572, MedGen C5447452, MONDO:0008855.

Allele frequency attached by ClinVar (database versions not stated): gnomAD exomes 0.00009 and 0.00027; ExAC 0.00035; gnomAD 0.00098 and 0.00106; TOPMed 0.00099; ESP Exome Variant Server 0.00108; 1000 Genomes Project 30x 0.00109; 1000 Genomes Project 0.00120.
gnomAD v4.1: 273 of 1,614,102 alleles (0.017%); highest among the groups gnomAD compares: African/African-American, 0.35%; 2 homozygotes.

Submissions (5):

Labcorp Genetics (formerly Invitae), Labcorp
Classification: Likely benign for MHC class II deficiency. Last evaluated: 2026-01-24. Review status: criteria provided, single submitter. Criteria: Invitae Variant Classification Sherloc (09022015). Collection method: clinical testing. Allele origin: germline.

CeGaT Center for Human Genetics Tuebingen
Classification: Likely benign. Last evaluated: 2022-09-01. Review status: criteria provided, single submitter. Criteria: CeGaT Center For Human Genetics Tuebingen Variant Classification Criteria Version 2. Collection method: clinical testing. Allele origin: germline. Affected: yes. Observed: 1 variant allele.
Comment: CIITA: BP4

Mayo Clinic Laboratories, Mayo Clinic
Classification: Uncertain significance. Last evaluated: 2022-04-26. Review status: criteria provided, single submitter. Criteria: ACMG Guidelines, 2015. Collection method: clinical testing. Allele origin: germline. Observed: 1 variant allele.
Comment: BP4

Breakthrough Genomics
Classification: Likely benign. Review status: criteria provided, single submitter. Criteria: ACMG Guidelines, 2015. Collection method: not provided. Allele origin: germline. Inheritance: Autosomal recessive inheritance. Affected: yes.

Natera, Inc.
Classification: Uncertain significance for Bare lymphocyte syndrome type II. Last evaluated: 2020-04-24. Review status: no assertion criteria provided. Collection method: clinical testing. Allele origin: germline. Not counted in ClinVar's aggregate classification.

NM_000246.4(CIITA):c.460G>A (p.Asp154Asn)

Gene: CIITA (class II major histocompatibility complex transactivator; plus strand). Cytogenetic location: 16p13.13.
Variant type: single nucleotide variant.
Coding change: c.460G>A on transcript NM_000246.4 (MANE Select); coding-DNA position 460, G replaced by A.
Protein change: p.Asp154Asn; replaces aspartic acid 154 with asparagine.
Molecular consequence: missense variant. On other transcripts: non-coding transcript variant (1).
Genome position (GRCh38, 1-based): chr16:10,901,537, G>A. VCF-style: chr16-10901537-G-A. GRCh37 (hg19) VCF-style: chr16-10995394-G-A.
Other names: p.Asp154Asn; c.463G>A, p.Asp155Asn (NM_001286402.1, NM_001379330.1, NM_001379332.1); c.460G>A, p.Asp154Asn (NM_001286403.2, NM_001379331.1, NM_001379333.1); c.391G>A, p.Asp131Asn (NM_001379334.1); short protein forms D155N, D154N, D131N.
Identifiers: ClinVar variation 789274 (VCV000789274.43), dbSNP rs76923280, ClinGen allele CA7899735.